The following is an entry in ClinVar:

ClinVar aggregate classification (germline): Uncertain significance. Review status: criteria provided, multiple submitters, no conflicts (2 of 4 stars). 2 submissions from 2 submitters: Uncertain significance (2). Last evaluated 2025-09-29.

Conditions:
Inborn genetic diseases. Identifiers: MedGen C0950123, MeSH D030342.

Allele frequency attached by ClinVar (database versions not stated): TOPMed below 0.00001; gnomAD 0.00002 and 0.00003; ExAC 0.00003; gnomAD exomes 0.00004; ESP Exome Variant Server 0.00008.
gnomAD v4.1: 30 of 1,614,056 alleles (0.0019%); highest among the groups gnomAD compares: South Asian, 0.016%; no homozygotes.

Submissions (2):

Labcorp Genetics (formerly Invitae), Labcorp
Classification: Uncertain significance. Last evaluated: 2025-09-29. Review status: criteria provided, single submitter. Criteria: Invitae Variant Classification Sherloc (09022015). Collection method: clinical testing. Allele origin: germline.
Comment: This sequence change replaces arginine, which is basic and polar, with histidine, which is basic and polar, at codon 474 of the NLRP1 protein (p.Arg474His). This variant is present in population databases (rs139498137, gnomAD 0.02%). This variant has not been reported in the literature in individuals affected with NLRP1-related conditions. ClinVar contains an entry for this variant (Variation ID: 1363707). An algorithm developed to predict the effect of missense changes on protein structure and function outputs the following: PolyPhen-2: "Benign". The histidine amino acid residue is found in multiple mammalian species, which suggests that this missense change does not adversely affect protein function. In summary, the available evidence is currently insufficient to determine the role of this variant in disease. Therefore, it has been classified as a Variant of Uncertain Significance.

Ambry Genetics
Classification: Uncertain significance for Inborn genetic diseases. Last evaluated: 2021-10-21. Review status: criteria provided, single submitter. Criteria: Ambry Variant Classification Scheme 2023. Collection method: clinical testing. Allele origin: germline.

NM_033004.4(NLRP1):c.1421G>A (p.Arg474His)

Gene: NLRP1 (NLR family pyrin domain containing 1; minus strand). Cytogenetic location: 17p13.2.
Variant type: single nucleotide variant.
Coding change: c.1421G>A on transcript NM_033004.4 (MANE Select); coding-DNA position 1421, G replaced by A.
Protein change: p.Arg474His; replaces arginine 474 with histidine.
Molecular consequence: missense variant.
Genome position (GRCh38, 1-based): chr17:5,559,275, C>T on the plus strand (G>A on the coding strand, the complement: NLRP1 is on the minus strand). VCF-style: chr17-5559275-C-T. GRCh37 (hg19) VCF-style: chr17-5462595-C-T.
Other names: c.1421G>A (NM_033004.3); c.1421G>A, p.Arg474His (NM_001033053.3, NM_014922.5, NM_033006.4 and 1 more transcripts); short protein forms R474H.
Identifiers: ClinVar variation 1363707 (VCV001363707.9), dbSNP rs139498137, ClinGen allele CA8327369.